The following is an entry in ClinVar:

ClinVar aggregate classification (germline): Uncertain significance. Review status: criteria provided, multiple submitters, no conflicts (2 of 4 stars). 3 submissions from 3 submitters: Uncertain significance (3). Last evaluated 2022-04-12.

Conditions:
Neurofibromatosis, type 1 (NF1). Also called: NEUROFIBROMATOSIS, TYPE I, SOMATIC; Peripheral type neurofibromatosis; Neurofibromatosis, type I; VON RECKLINGHAUSEN DISEASE. Identifiers: Orphanet 636, MedGen C0027831, MONDO:0018975, OMIM 162200. Disease mechanism: loss of function.
Hereditary cancer-predisposing syndrome. Also called: Neoplastic Syndromes, Hereditary; Hereditary Cancer Syndrome; Tumor predisposition; Hereditary neoplastic syndrome. Identifiers: Orphanet 140162, MedGen C0027672, MeSH D009386, MONDO:0015356.
Cardiovascular phenotype. Identifiers: MedGen CN230736.

Submissions (3):

Labcorp Genetics (formerly Invitae), Labcorp
Classification: Uncertain significance for Neurofibromatosis, type 1. Last evaluated: 2022-04-12. Review status: criteria provided, single submitter. Criteria: Invitae Variant Classification Sherloc (09022015). Collection method: clinical testing. Allele origin: germline.
Comment: In summary, the available evidence is currently insufficient to determine the role of this variant in disease. Therefore, it has been classified as a Variant of Uncertain Significance. Advanced modeling of protein sequence and biophysical properties (such as structural, functional, and spatial information, amino acid conservation, physicochemical variation, residue mobility, and thermodynamic stability) performed at Invitae indicates that this missense variant is not expected to disrupt NF1 protein function. ClinVar contains an entry for this variant (Variation ID: 1315852). This variant has not been reported in the literature in individuals affected with NF1-related conditions. This variant is not present in population databases (gnomAD no frequency). This sequence change replaces alanine, which is neutral and non-polar, with threonine, which is neutral and polar, at codon 450 of the NF1 protein (p.Ala450Thr).

Ambry Genetics
Classification: Uncertain significance for Cardiovascular phenotype; Hereditary cancer-predisposing syndrome. Last evaluated: 2021-03-22. Review status: criteria provided, single submitter. Criteria: Ambry Variant Classification Scheme 2023. Collection method: clinical testing. Allele origin: germline.
Comment: The p.A450T variant (also known as c.1348G>A), located in coding exon 12 of the NF1 gene, results from a G to A substitution at nucleotide position 1348. The alanine at codon 450 is replaced by threonine, an amino acid with similar properties. This amino acid position is well conserved in available vertebrate species. In addition, the in silico prediction for this alteration is inconclusive. Since supporting evidence is limited at this time, the clinical significance of this alteration remains unclear.

GeneDx
Classification: Uncertain significance. Last evaluated: 2019-09-24. Review status: criteria provided, single submitter. Criteria: GeneDx Variant Classification Process June 2021. Collection method: clinical testing. Allele origin: germline. Affected: yes.
Comment: Not observed in large population cohorts (Lek 2016); In silico analysis, which includes protein predictors and evolutionary conservation, supports that this variant does not alter protein structure/function; Has not been previously published as pathogenic or benign to our knowledge

NM_001042492.3(NF1):c.1348G>A (p.Ala450Thr)

Gene: NF1 (neurofibromin 1; plus strand). Cytogenetic location: 17q11.2.
Variant type: single nucleotide variant.
Coding change: c.1348G>A on transcript NM_001042492.3 (MANE Select); coding-DNA position 1348, G replaced by A.
Protein change: p.Ala450Thr; replaces alanine 450 with threonine.
Molecular consequence: missense variant.
Genome position (GRCh38, 1-based): chr17:31,206,327, G>A. VCF-style: chr17-31206327-G-A. GRCh37 (hg19) VCF-style: chr17-29533345-G-A.
Other names: c.1348G>A, p.Ala450Thr (NM_000267.4, NM_001128147.3); short protein forms A450T.
Identifiers: ClinVar variation 1315852 (VCV001315852.8), dbSNP rs2143914842, ClinGen allele CA398999610.